The following is an entry in ClinVar:

ClinVar aggregate classification (germline): Pathogenic (1 of 4 stars; one submission).

Submission:

Labcorp Genetics (formerly Invitae), Labcorp
Classification: Pathogenic. Last evaluated: 2022-10-16. Review status: criteria provided, single submitter. Criteria: Invitae Variant Classification Sherloc (09022015). Collection method: clinical testing. Allele origin: germline.
Comment: This variant is not present in population databases (gnomAD no frequency). This sequence change creates a premature translational stop signal (p.Pro310Argfs*44) in the PUS1 gene. It is expected to result in an absent or disrupted protein product. Loss-of-function variants in PUS1 are known to be pathogenic (PMID: 17056637, 19731322, 25058219, 26556812). For these reasons, this variant has been classified as Pathogenic. ClinVar contains an entry for this variant (Variation ID: 1445539). This variant has not been reported in the literature in individuals affected with PUS1-related conditions.

Literature cited by the submitters: PubMed 17056637; PubMed 19731322; PubMed 25058219; PubMed 26556812.

NM_025215.6(PUS1):c.929_930del (p.Pro310fs)

Gene: PUS1 (pseudouridine synthase 1; plus strand). Cytogenetic location: 12q24.33.
Variant type: Deletion.
Coding change: c.929_930del on transcript NM_025215.6 (MANE Select); coding-DNA positions 929 to 930, 2 bases deleted (CT; older notation c.929_930delCT).
Protein change: p.Pro310fs; shifts the reading frame from proline 310.
Molecular consequence: frameshift variant.
Genome position (GRCh38, 1-based): chr12:131,941,676-131,941,677, CT deleted. VCF-style (leftmost placement, unchanged base first): chr12-131941675-CCT-C. GRCh37 (hg19) VCF-style: chr12-132426220-CCT-C.
Other names: c.845_846del, p.Pro282fs (NM_001002019.3, NM_001002020.3); short protein forms P282fs, P310fs.
Identifiers: ClinVar variation 1445539 (VCV001445539.6), dbSNP rs2136444136, ClinGen allele CA2573148052.